The following is an entry in ClinVar:

ClinVar aggregate classification (germline): Uncertain significance (1 of 4 stars; one submission).

Allele frequency attached by ClinVar (database versions not stated): gnomAD exomes below 0.00001.
gnomAD v4.1: 2 of 1,613,266 alleles (0.00012%); highest among the groups gnomAD compares: Non-Finnish European, 0.00017%; no homozygotes.

Submission:

Labcorp Genetics (formerly Invitae), Labcorp
Classification: Uncertain significance. Last evaluated: 2022-03-18. Review status: criteria provided, single submitter. Criteria: Invitae Variant Classification Sherloc (09022015). Collection method: clinical testing. Allele origin: germline.
Comment: In summary, the available evidence is currently insufficient to determine the role of this variant in disease. Therefore, it has been classified as a Variant of Uncertain Significance. Algorithms developed to predict the effect of missense changes on protein structure and function are either unavailable or do not agree on the potential impact of this missense change (SIFT: "Not Available"; PolyPhen-2: "Probably Damaging"; Align-GVGD: "Not Available"). This variant has not been reported in the literature in individuals affected with TIMM50-related conditions. This variant is present in population databases (no rsID available, gnomAD 0.0009%). This sequence change replaces valine, which is neutral and non-polar, with alanine, which is neutral and non-polar, at codon 400 of the TIMM50 protein (p.Val400Ala).

NM_001001563.5(TIMM50):c.890T>C (p.Val297Ala)

Gene: TIMM50 (translocase of inner mitochondrial membrane 50; plus strand). Cytogenetic location: 19q13.2.
Variant type: single nucleotide variant.
Coding change: c.890T>C on transcript NM_001001563.5 (MANE Select); coding-DNA position 890, T replaced by C.
Protein change: p.Val297Ala; replaces valine 297 with alanine.
Molecular consequence: missense variant.
Genome position (GRCh38, 1-based): chr19:39,488,575, T>C. VCF-style: chr19-39488575-T-C. GRCh37 (hg19) VCF-style: chr19-39979215-T-C.
Other names: c.551T>C, p.Val184Ala (NM_001329559.2); short protein forms V297A, V184A.
Identifiers: ClinVar variation 2113819 (VCV002113819.2), dbSNP rs1221413880, ClinGen allele CA405790210.